The following is an entry in ClinVar:

ClinVar aggregate classification (germline): Likely benign (1 of 4 stars; one submission).

gnomAD v4.1: 3 of 1,613,960 alleles (0.00019%); highest among the groups gnomAD compares: Non-Finnish European, 0.00025%; no homozygotes.

Submission:

CeGaT Center for Human Genetics Tuebingen
Classification: Likely benign. Last evaluated: 2025-11-01. Review status: criteria provided, single submitter. Criteria: CeGaT Center For Human Genetics Tuebingen Variant Classification Criteria Version 2. Collection method: clinical testing. Allele origin: germline. Affected: yes. Observed: 1 variant allele.
Comment: CSDE1: PM2:Supporting, BP4, BP7

NM_001007553.3(CSDE1):c.36A>C (p.Gly12=)

Gene: CSDE1 (cold shock domain containing E1; minus strand). Cytogenetic location: 1p13.2.
Variant type: single nucleotide variant.
Coding change: c.36A>C on transcript NM_001007553.3 (MANE Select); coding-DNA position 36, A replaced by C.
Protein change: p.Gly12=; no amino-acid change (glycine 12 retained).
Molecular consequence: synonymous variant.
Genome position (GRCh38, 1-based): chr1:114,739,855, T>G on the plus strand (A>C on the coding strand, the complement: CSDE1 is on the minus strand). VCF-style: chr1-114739855-T-G. GRCh37 (hg19) VCF-style: chr1-115282476-T-G.
Other names: c.174A>C, p.Gly58= (NM_001130523.3, NM_001242891.2); c.36A>C, p.Gly12= (NM_001242892.2, NM_001242893.2, NM_007158.6).
Identifiers: ClinVar variation 4533477 (VCV004533477.6).